The following is an entry in ClinVar:

NM_001203.3(BMPR1B):c.*3277A>T

Gene: BMPR1B (bone morphogenetic protein receptor type 1B; plus strand). Cytogenetic location: 4q22.3.
Variant type: single nucleotide variant.
Coding change: c.*3277A>T on transcript NM_001203.3 (MANE Select); 3277 bases downstream of the stop codon, A replaced by T.
Molecular consequence: 3 prime UTR variant.
Genome position (GRCh38, 1-based): chr4:95,157,950, A>T. VCF-style: chr4-95157950-A-T. GRCh37 (hg19) VCF-style: chr4-96079101-A-T.
Other names: c.*3277A>T (NM_001256792.2, NM_001256793.2, NM_001256794.1).
Identifiers: ClinVar variation 350176 (VCV000350176.5), dbSNP rs148400273, ClinGen allele CA10622046.
Genomic context (GRCh38, chr4:95,157,950, plus strand): 5'-AACATGCTGAGATTTTATTTACAGGGAATTCTTTGACACATTTCAATTGGTGTGTAGTCA[A>T]GTATAGCAAGTACTTAATAATGACTGAATTTCATGTTCCTACAGTCATACATATTCATTA-3'

ClinVar aggregate classification (germline): Benign (1 of 4 stars; one submission).

Conditions:
Brachydactyly. Also called: Brachydactyly syndrome; Brachydactyly (disease). Identifiers: MedGen C0221357, MONDO:0021004, HP:0001156.

Allele frequency attached by ClinVar (database versions not stated): TOPMed 0.00357; 1000 Genomes Project 0.00439; 1000 Genomes Project 30x 0.00515.

Submission:

Illumina Laboratory Services, Illumina
Classification: Benign for Brachydactyly. Last evaluated: 2018-01-12. Review status: criteria provided, single submitter. Criteria: ICSL Variant Classification Criteria 13 December 2019. Collection method: clinical testing. Allele origin: germline.
Comment: This variant was observed in the ICSL laboratory as part of a predisposition screen in an ostensibly healthy population. It had not been previously curated by ICSL or reported in the Human Gene Mutation Database (HGMD: prior to June 1st, 2018), and was therefore a candidate for classification through an automated scoring system. Utilizing variant allele frequency, disease prevalence and penetrance estimates, and inheritance mode, an automated score was calculated to assess if this variant is too frequent to cause the disease. Based on the score and internal cut-off values, a variant classified as benign is not then subjected to further curation. The score for this variant resulted in a classification of benign for this disease.